The following is an entry in ClinVar:

ClinVar aggregate classification (germline): Uncertain significance (1 of 4 stars; one submission).

Conditions:
Hereditary cancer-predisposing syndrome. Also called: Neoplastic Syndromes, Hereditary; Tumor predisposition; Hereditary Cancer Syndrome; Hereditary neoplastic syndrome. Identifiers: Orphanet 140162, MedGen C0027672, MeSH D009386, MONDO:0015356.

Submission:

Ambry Genetics
Classification: Uncertain significance for Hereditary cancer-predisposing syndrome. Last evaluated: 2026-03-09. Review status: criteria provided, single submitter. Criteria: Ambry Variant Classification Scheme 2023. Collection method: clinical testing. Allele origin: germline.
Comment: The c.668-5T>G intronic variant results from a T to G substitution 5 nucleotides upstream from coding exon 8 in the RAD51D gene. This nucleotide position is highly conserved in available vertebrate species. In silico splice site analysis for this alteration is inconclusive. Based on the available evidence, the clinical significance of this variant remains unclear.

NM_002878.4(RAD51D):c.668-5T>G

Genes: RAD51L3-RFFL (RAD51L3-RFFL readthrough; minus strand), RAD51D (RAD51 paralog D; minus strand). Cytogenetic location: 17q12.
Variant type: single nucleotide variant.
Coding change: c.668-5T>G on transcript NM_002878.4 (MANE Select); 5 bases into the intron before coding-DNA position 668, T replaced by G.
Molecular consequence: intron variant.
Genome position (GRCh38, 1-based): chr17:35,103,329, A>C on the plus strand (T>G on the coding strand, the complement: RAD51D is on the minus strand). VCF-style: chr17-35103329-A-C. GRCh37 (hg19) VCF-style: chr17-33430348-A-C.
Other names: c.332-5T>G (NM_133629.3); c.728-5T>G (NM_001142571.2).
Identifiers: ClinVar variation 4844326 (VCV004844326.1).